The following is an entry in ClinVar:

NM_000081.4(LYST):c.8042T>C (p.Phe2681Ser)

Gene: LYST (lysosomal trafficking regulator; minus strand). Cytogenetic location: 1q42.3.
Variant type: single nucleotide variant.
Coding change: c.8042T>C on transcript NM_000081.4 (MANE Select); coding-DNA position 8042, T replaced by C.
Protein change: p.Phe2681Ser; replaces phenylalanine 2681 with serine.
Molecular consequence: missense variant.
Genome position (GRCh38, 1-based): chr1:235,744,088, A>G on the plus strand (T>C on the coding strand, the complement: LYST is on the minus strand). VCF-style: chr1-235744088-A-G. GRCh37 (hg19) VCF-style: chr1-235907388-A-G.
Other names: c.8042T>C, p.Phe2681Ser (NM_001301365.1); c.8042T>C (NM_000081.2); short protein forms F2681S.
Identifiers: ClinVar variation 3614881 (VCV003614881.3).
Genomic context (GRCh38, chr1:235,744,088, plus strand): 5'-AATGGATTGAAAACAGAAGACTGTTCATGATGAATATTTTCCTCAGAAATTTCGGTCTGG[A>G]AAACTGAGGTCTTGCTTTGAGTTACATTTTCTGGAGTTCTCAAAATGTCAATAATGTCTG-3'
Protein context (NP_000072.2, residues 2671-2691): ENVTQSKTSV[Phe2681Ser]QTEISEENIH

ClinVar aggregate classification (germline): Conflicting classifications of pathogenicity. Review status: criteria provided, conflicting classifications (1 of 4 stars). 2 submissions from 2 submitters: Uncertain significance (1); Likely benign (1). Last evaluated 2025-08-21.

Conditions:
Inborn genetic diseases. Identifiers: MedGen C0950123, MeSH D030342.
Chédiak-Higashi syndrome (CHS). Also called: Chediak-Higashi Syndrome. Identifiers: Orphanet 167, MedGen C0007965, MONDO:0008963, OMIM 214500.

gnomAD v4.1: 8 of 1,601,348 alleles (0.0005%); highest among the groups gnomAD compares: African/African-American, 0.0013%; no homozygotes.

Submissions (2):

Ambry Genetics
Classification: Likely benign for Inborn genetic diseases. Last evaluated: 2025-08-21. Review status: criteria provided, single submitter. Criteria: Ambry Variant Classification Scheme 2023. Collection method: clinical testing. Allele origin: germline.

Labcorp Genetics (formerly Invitae), Labcorp
Classification: Uncertain significance for Chédiak-Higashi syndrome. Last evaluated: 2025-05-12. Review status: criteria provided, single submitter. Criteria: Invitae Variant Classification Sherloc (09022015). Collection method: clinical testing. Allele origin: germline.
Comment: This sequence change replaces phenylalanine, which is neutral and non-polar, with serine, which is neutral and polar, at codon 2681 of the LYST protein (p.Phe2681Ser). This variant is present in population databases (rs371797959, gnomAD 0.0009%). This variant has not been reported in the literature in individuals affected with LYST-related conditions. ClinVar contains an entry for this variant (Variation ID: 3614881). Invitae Evidence Modeling of protein sequence and biophysical properties (such as structural, functional, and spatial information, amino acid conservation, physicochemical variation, residue mobility, and thermodynamic stability) indicates that this missense variant is not expected to disrupt LYST protein function with a negative predictive value of 80%. In summary, the available evidence is currently insufficient to determine the role of this variant in disease. Therefore, it has been classified as a Variant of Uncertain Significance.